The following is an entry in ClinVar:

NM_006648.4(WNK2):c.503C>G (p.Thr168Ser)

Gene: WNK2 (WNK lysine deficient protein kinase 2; plus strand). Cytogenetic location: 9q22.31.
Variant type: single nucleotide variant.
Coding change: c.503C>G on transcript NM_006648.4 (MANE Select); coding-DNA position 503, C replaced by G.
Protein change: p.Thr168Ser; replaces threonine 168 with serine.
Molecular consequence: missense variant.
Genome position (GRCh38, 1-based): chr9:93,185,432, C>G. VCF-style: chr9-93185432-C-G. GRCh37 (hg19) VCF-style: chr9-95947714-C-G.
Other names: c.503C>G, p.Thr168Ser (NM_001282394.3); short protein forms T168S.
Identifiers: ClinVar variation 5031785 (VCV005031785.1).

ClinVar aggregate classification (germline): Uncertain significance (1 of 4 stars; one submission).

gnomAD v4.1: 1 of 1,611,504 alleles (0.000062%); highest among the groups gnomAD compares: Admixed American, 0.0017%; no homozygotes.

Submission:

Ambry Genetics
Classification: Uncertain significance. Last evaluated: 2026-06-16. Review status: criteria provided, single submitter. Criteria: Ambry Variant Classification Scheme 2023. Collection method: clinical testing. Allele origin: germline.
Comment: The p.T168S variant (also known as c.503C>G), located in coding exon 1 of the WNK2 gene, results from a C to G substitution at nucleotide position 503. The threonine at codon 168 is replaced by serine, an amino acid with similar properties. This amino acid position is conserved. In addition, this alteration is predicted to be tolerated by in silico analysis. Based on the available evidence, the clinical significance of this variant remains unclear.